The following is an entry in ClinVar:

NM_182961.4(SYNE1):c.14626G>A (p.Val4876Met)

Gene: SYNE1 (spectrin repeat containing nuclear envelope protein 1; minus strand). Cytogenetic location: 6q25.2.
Variant type: single nucleotide variant.
Coding change: c.14626G>A on transcript NM_182961.4 (MANE Select); coding-DNA position 14626, G replaced by A.
Protein change: p.Val4876Met; replaces valine 4876 with methionine.
Molecular consequence: missense variant.
Genome position (GRCh38, 1-based): chr6:152,330,059, C>T on the plus strand (G>A on the coding strand, the complement: SYNE1 is on the minus strand). VCF-style: chr6-152330059-C-T. GRCh37 (hg19) VCF-style: chr6-152651194-C-T.
Other names: c.14413G>A, p.Val4805Met (NM_033071.5); short protein forms V4805M, V4876M.
Identifiers: ClinVar variation 1378667 (VCV001378667.8), dbSNP rs1297328408, ClinGen allele CA366096966.

ClinVar aggregate classification (germline): Uncertain significance (1 of 4 stars; one submission).

Conditions:
Emery-Dreifuss muscular dystrophy 4, autosomal dominant (EDMD4). Also called: EMERY-DREIFUSS MUSCULAR DYSTROPHY 4 WITH VARIABLE FEATURES. Identifiers: Orphanet 261, MedGen C2751807, MONDO:0013071, OMIM 612998.
Autosomal recessive ataxia, Beauce type. Also called: SYNE1-Related Autosomal Recessive Cerebellar Ataxia; Spinocerebellar ataxia, autosomal recessive 8; ATAXIA, RECESSIVE, OF BEAUCE; SYNE1 Deficiency. Identifiers: Orphanet 88644, MedGen C1853116, MONDO:0012549, OMIM 610743.

Allele frequency attached by ClinVar (database versions not stated): gnomAD exomes below 0.00001; TOPMed 0.00001.
gnomAD v4.1: 1 of 1,614,158 alleles (0.000062%); highest among the groups gnomAD compares: Non-Finnish European, 0.000085%; no homozygotes.

Submission:

Labcorp Genetics (formerly Invitae), Labcorp
Classification: Uncertain significance for Emery-Dreifuss muscular dystrophy 4, autosomal dominant; Autosomal recessive ataxia, Beauce type. Last evaluated: 2022-03-18. Review status: criteria provided, single submitter. Criteria: Invitae Variant Classification Sherloc (09022015). Collection method: clinical testing. Allele origin: germline.
Comment: This sequence change replaces valine, which is neutral and non-polar, with methionine, which is neutral and non-polar, at codon 4805 of the SYNE1 protein (p.Val4805Met). This variant is present in population databases (no rsID available, gnomAD 0.0009%). This variant has not been reported in the literature in individuals affected with SYNE1-related conditions. Algorithms developed to predict the effect of missense changes on protein structure and function are either unavailable or do not agree on the potential impact of this missense change (SIFT: "Deleterious"; PolyPhen-2: "Possibly Damaging"; Align-GVGD: "Class C15"). In summary, the available evidence is currently insufficient to determine the role of this variant in disease. Therefore, it has been classified as a Variant of Uncertain Significance.